The following is an entry in ClinVar:

NM_001148.6(ANK2):c.997C>T (p.Leu333=)

Gene: ANK2 (ankyrin 2; plus strand). Cytogenetic location: 4q26.
Variant type: single nucleotide variant.
Coding change: c.997C>T on transcript NM_001148.6 (MANE Select); coding-DNA position 997, C replaced by T.
Protein change: p.Leu333=; no amino-acid change (leucine 333 retained).
Molecular consequence: synonymous variant.
Genome position (GRCh38, 1-based): chr4:113,255,741, C>T. VCF-style: chr4-113255741-C-T. GRCh37 (hg19) VCF-style: chr4-114176897-C-T.
Other names: c.934C>T, p.Leu312= (NM_001127493.3, NM_001354239.2, NM_001354243.2 and 14 more transcripts); c.997C>T, p.Leu333= (NM_001354225.2, NM_001354228.2, NM_001354232.2 and 9 more transcripts); c.1042C>T, p.Leu348= (NM_001354230.2, NM_001354231.2, NM_001354237.2 and 5 more transcripts); c.910C>T, p.Leu304= (NM_001354249.2, NM_001354260.2, NM_001354264.2 and 16 more transcripts); c.955C>T, p.Leu319= (NM_001354261.2, NM_001386147.1, NM_001386160.1); c.985C>T, p.Leu329= (NM_001354269.3, NM_001386148.2, NM_001386186.2); c.1048C>T, p.Leu350= (NM_001386174.1); c.1024C>T, p.Leu342= (NM_001386175.1); and 1 more.
Identifiers: ClinVar variation 264488 (VCV000264488.41), dbSNP rs201024064, ClinGen allele CA3050174.

ClinVar aggregate classification (germline): Conflicting classifications of pathogenicity. Review status: criteria provided, conflicting classifications (1 of 4 stars). 7 submissions from 7 submitters: Uncertain significance (1); Benign (1); Likely benign (4). 1 of the submissions does not count toward it. Last evaluated 2025-11-09.

Conditions:
Cardiovascular phenotype. Identifiers: MedGen CN230736.
ANK2-related disorder. Also called: ANK2-related condition.
Long QT syndrome (LQTS). Identifiers: MedGen C0023976, MeSH D008133, MONDO:0002442. Disease mechanism: loss of function. Inheritance: Various modes of inheritance.
Cardiac arrhythmia, ankyrin-B-related. Also called: ANKYRIN-B SYNDROME. Identifiers: Orphanet 101016, Orphanet 768, MedGen C1970119, MONDO:0010958, OMIM 600919.

Allele frequency attached by ClinVar (database versions not stated): ESP Exome Variant Server 0.00008; 1000 Genomes Project 30x 0.00016; ExAC 0.00018; gnomAD exomes 0.00018 and 0.00033; 1000 Genomes Project 0.00020; gnomAD 0.00021; TOPMed 0.00023.
gnomAD v4.1: 520 of 1,614,028 alleles (0.032%); highest among the groups gnomAD compares: Non-Finnish European, 0.039%; 1 homozygote.

Submissions (7):

Labcorp Genetics (formerly Invitae), Labcorp
Classification: Likely benign for Long QT syndrome. Last evaluated: 2025-11-09. Review status: criteria provided, single submitter. Criteria: Invitae Variant Classification Sherloc (09022015). Collection method: clinical testing. Allele origin: germline.

CeGaT Center for Human Genetics Tuebingen
Classification: Likely benign. Last evaluated: 2025-08-01. Review status: criteria provided, single submitter. Criteria: CeGaT Center For Human Genetics Tuebingen Variant Classification Criteria Version 2. Collection method: clinical testing. Allele origin: germline. Affected: yes. Observed: 1 variant allele.
Comment: ANK2: BP4

Blueprint Genetics
Classification: Likely benign. Last evaluated: 2024-08-23. Review status: criteria provided, single submitter. Criteria: ACMG Guidelines, 2015. Collection method: clinical testing. Allele origin: germline.

Illumina Laboratory Services, Illumina
Classification: Uncertain significance for Cardiac arrhythmia, ankyrin-B-related. Last evaluated: 2018-01-13. Review status: criteria provided, single submitter. Criteria: ICSL Variant Classification Criteria 13 December 2019. Collection method: clinical testing. Allele origin: germline.

Ambry Genetics
Classification: Likely benign for Cardiovascular phenotype. Last evaluated: 2015-10-29. Review status: criteria provided, single submitter. Criteria: Ambry Variant Classification Scheme 2023. Collection method: clinical testing. Allele origin: germline.

GeneDx
Classification: Benign. Last evaluated: 2015-03-09. Review status: criteria provided, single submitter. Criteria: GeneDx Variant Classification (06012015). Collection method: clinical testing. Allele origin: germline. Affected: yes.
Comment: This variant is considered likely benign or benign based on one or more of the following criteria: it is a conservative change, it occurs at a poorly conserved position in the protein, it is predicted to be benign by multiple in silico algorithms, and/or has population frequency not consistent with disease.

PreventionGenetics, part of Exact Sciences
Classification: Likely benign for ANK2-related condition. Last evaluated: 2019-07-25. Review status: no assertion criteria provided. Collection method: clinical testing. Allele origin: germline. Not counted in ClinVar's aggregate classification.
Comment: This variant is classified as likely benign based on ACMG/AMP sequence variant interpretation guidelines (Richards et al. 2015 PMID: 25741868, with internal and published modifications).